The following is an entry in ClinVar:

ClinVar aggregate classification (germline): Pathogenic (1 of 4 stars; one submission).

Conditions:
Hermansky-Pudlak syndrome 3 (HPS3). Identifiers: Orphanet 231512, Orphanet 79430, MedGen C3888001, MONDO:0013555, OMIM 614072.

Submission:

Myriad Genetics, Inc.
Classification: Pathogenic for Hermansky-Pudlak syndrome 3. Last evaluated: 2024-05-14. Review status: criteria provided, single submitter. Criteria: Myriad Autosomal Dominant, Autosomal Recessive and X-Linked Classification Criteria (2023). Collection method: clinical testing. Allele origin: unknown.
Comment: NM_032383.3(HPS3):c.2603delG(G868Vfs*6) is expected to be pathogenic in the context of Hermansky-Pudlak syndrome, HPS3-related. This variant is predicted to lead to an abnormal or absent protein product due to the creation of a premature termination codon in HPS3, a gene where loss-of-function variants are known to be pathogenic. Please note: this variant was assessed in the context of healthy population screening.

NM_032383.5(HPS3):c.2603del (p.Gly868fs)

Genes: CP (ceruloplasmin; minus strand), HPS3 (HPS3 biogenesis of lysosomal organelles complex 2 subunit 1; plus strand). Cytogenetic location: 3q24.
Variant type: Deletion.
Coding change: c.2603del on transcript NM_032383.5 (MANE Select); coding-DNA position 2603, one base deleted (G; older notation c.2603delG).
Protein change: p.Gly868fs; shifts the reading frame from glycine 868.
Molecular consequence: frameshift variant.
Genome position (GRCh38, 1-based): chr3:149,167,047, G deleted; the last of 2 consecutive G bases (chr3:149,167,046-149,167,047); deleting either gives the same sequence. VCF-style (leftmost placement, unchanged base first): chr3-149167045-TG-T. GRCh37 (hg19) VCF-style: chr3-148884832-TG-T.
Other names: c.2108del, p.Gly703fs (NM_001308258.2); short protein forms G703fs, G868fs.
Identifiers: ClinVar variation 5010449 (VCV005010449.1).